The following is an entry in ClinVar:

ClinVar aggregate classification (germline): Uncertain significance (1 of 4 stars; one submission).

Conditions:
Familial adenomatous polyposis 1 (FAP1). Also called: FAMILIAL ADENOMATOUS POLYPOSIS 1, ATTENUATED; POLYPOSIS, ADENOMATOUS INTESTINAL. Identifiers: MedGen C2713442, MONDO:0021056, OMIM 175100. Disease mechanism: loss of function.

Submission:

Labcorp Genetics (formerly Invitae), Labcorp
Classification: Uncertain significance for Familial adenomatous polyposis 1. Last evaluated: 2023-05-22. Review status: criteria provided, single submitter. Criteria: Invitae Variant Classification Sherloc (09022015). Collection method: clinical testing. Allele origin: germline.
Comment: This sequence change replaces glutamine, which is neutral and polar, with arginine, which is basic and polar, at codon 1204 of the APC protein (p.Gln1204Arg). This variant is not present in population databases (gnomAD no frequency). This variant has not been reported in the literature in individuals affected with APC-related conditions. ClinVar contains an entry for this variant (Variation ID: 565899). Advanced modeling of protein sequence and biophysical properties (such as structural, functional, and spatial information, amino acid conservation, physicochemical variation, residue mobility, and thermodynamic stability) performed at Invitae indicates that this missense variant is not expected to disrupt APC protein function. In summary, the available evidence is currently insufficient to determine the role of this variant in disease. Therefore, it has been classified as a Variant of Uncertain Significance.

NM_000038.6(APC):c.3611A>G (p.Gln1204Arg)

Gene: APC (APC regulator of Wnt signaling pathway; plus strand). Cytogenetic location: 5q22.2.
Variant type: single nucleotide variant.
Coding change: c.3611A>G on transcript NM_000038.6 (MANE Select); coding-DNA position 3611, A replaced by G.
Protein change: p.Gln1204Arg; replaces glutamine 1204 with arginine.
Molecular consequence: missense variant.
Genome position (GRCh38, 1-based): chr5:112,839,205, A>G. VCF-style: chr5-112839205-A-G. GRCh37 (hg19) VCF-style: chr5-112174902-A-G.
Other names: c.3611A>G, p.Gln1204Arg (NM_001127510.3, NM_001354895.2); c.3557A>G, p.Gln1186Arg (NM_001127511.3); c.3665A>G, p.Gln1222Arg (NM_001354896.2); c.3641A>G, p.Gln1214Arg (NM_001354897.2); c.3536A>G, p.Gln1179Arg (NM_001354898.2); c.3527A>G, p.Gln1176Arg (NM_001354899.2); c.3488A>G, p.Gln1163Arg (NM_001354900.2); c.3434A>G, p.Gln1145Arg (NM_001354901.2); and 5 more; short protein forms Q1186R, Q1204R, Q1078R, Q1103R, Q1176R, Q1044R, Q1145R, Q1179R.
Identifiers: ClinVar variation 565899 (VCV000565899.10), dbSNP rs1561586313, ClinGen allele CA16029261.